The following is an entry in ClinVar:

ClinVar aggregate classification (germline): Uncertain significance (1 of 4 stars; one submission).

Submission:

Women's Health and Genetics/Laboratory Corporation of America, LabCorp
Classification: Uncertain significance. Last evaluated: 2026-02-23. Review status: criteria provided, single submitter. Criteria: LabCorp Variant Classification Summary - May 2015. Collection method: clinical testing. Allele origin: germline.
Comment: Variant summary: FBN1 c.4297A>G (p.Met1433Val) results in a conservative amino acid change in the encoded protein sequence. Algorithms developed to predict the effect of missense changes on protein structure and function are either unavailable or do not agree on the potential impact of this missense change. The variant was absent in 251400 control chromosomes. The available data on variant occurrences in the general population are insufficient to allow any conclusion about variant significance. To our knowledge, no occurrence of c.4297A>G in individuals affected with FBN1-related conditions and no experimental evidence demonstrating its impact on protein function have been reported. No submitters have cited clinical-significance assessments for this variant to ClinVar. Based on the evidence outlined above, the variant was classified as uncertain significance.

NM_000138.5(FBN1):c.4297A>G (p.Met1433Val)

Genes: FBN1 (fibrillin 1; minus strand), LOC126862124 (CDK7 strongly-dependent group 2 enhancer GRCh37_chr15:48764566-48765765; plus strand). Cytogenetic location: 15q21.1.
Variant type: single nucleotide variant.
Coding change: c.4297A>G on transcript NM_000138.5 (MANE Select); coding-DNA position 4297, A replaced by G.
Protein change: p.Met1433Val; replaces methionine 1433 with valine.
Molecular consequence: missense variant.
Genome position (GRCh38, 1-based): chr15:48,472,590, T>C on the plus strand (A>G on the coding strand, the complement: FBN1 is on the minus strand). VCF-style: chr15-48472590-T-C. GRCh37 (hg19) VCF-style: chr15-48764787-T-C.
Other names: c.4297A>G, p.Met1433Val (NM_001406716.1); short protein forms M1433V.
Identifiers: ClinVar variation 4848185 (VCV004848185.1).
Genomic context (GRCh38, chr15:48,472,590, plus strand): 5'-AGTGGCTTCCCCATCAGTTACCTTCACAGGCTTTCCCGTCAGCACTGGGCACGAAGCCCA[T>C]GTCGCATTCACAGCGGTATCCTCCTGGTGCATTGAGGCACTGGCCATTGCCACAGAGATT-3'
Protein context (NP_000129.3, residues 1423-1443): APGGYRCECD[Met1433Val]GFVPSADGKA